The following is an entry in ClinVar:

ClinVar aggregate classification (germline): Uncertain significance (1 of 4 stars; one submission).

Conditions:
Arginine:glycine amidinotransferase deficiency (CCDS3). Also called: L-Arginine:Glycine Amidinotransferase (AGAT) Deficiency; AGAT deficiency; L-Arginine:Glycine Amidinotransferase Deficiency; Creatine deficiency syndrome due to AGAT deficiency; GATM deficiency; Cerebral creatine deficiency syndrome 3. Identifiers: Orphanet 35704, MedGen C2675179, MONDO:0012996, OMIM 612718.

Submission:

Labcorp Genetics (formerly Invitae), Labcorp
Classification: Uncertain significance for Arginine:glycine amidinotransferase deficiency. Last evaluated: 2025-06-29. Review status: criteria provided, single submitter. Criteria: Invitae Variant Classification Sherloc (09022015). Collection method: clinical testing. Allele origin: germline.
Comment: This sequence change replaces lysine, which is basic and polar, with isoleucine, which is neutral and non-polar, at codon 121 of the GATM protein (p.Lys121Ile). This variant is not present in population databases (gnomAD no frequency). This variant has not been reported in the literature in individuals affected with GATM-related conditions. Invitae Evidence Modeling of protein sequence and biophysical properties (such as structural, functional, and spatial information, amino acid conservation, physicochemical variation, residue mobility, and thermodynamic stability) has been performed for this missense variant. However, the output from this modeling did not meet the statistical confidence thresholds required to predict the impact of this variant on GATM protein function. In summary, the available evidence is currently insufficient to determine the role of this variant in disease. Therefore, it has been classified as a Variant of Uncertain Significance.

NM_001482.3(GATM):c.362A>T (p.Lys121Ile)

Gene: GATM (glycine amidinotransferase; minus strand). Cytogenetic location: 15q21.1.
Variant type: single nucleotide variant.
Coding change: c.362A>T on transcript NM_001482.3 (MANE Select); coding-DNA position 362, A replaced by T.
Protein change: p.Lys121Ile; replaces lysine 121 with isoleucine.
Molecular consequence: missense variant. On other transcripts: 5 prime UTR variant (1).
Genome position (GRCh38, 1-based): chr15:45,369,448, T>A on the plus strand (A>T on the coding strand, the complement: GATM is on the minus strand). VCF-style: chr15-45369448-T-A. GRCh37 (hg19) VCF-style: chr15-45661646-T-A.
Other names: c.-26A>T (NM_001321015.2); short protein forms K121I.
Identifiers: ClinVar variation 4709993 (VCV004709993.1).
Genomic context (GRCh38, chr15:45,369,448, plus strand): 5'-ACTGTCACTCCTTCCGTTTTTAAAATATTGCACATTTCTTCAATTTCAGCAACAGCCTTT[T>A]TCAAATGATCTTTGGGAAAATAATGCCCTCCTTGCTTCTGGTAAAATGGCCAGTACTTTT-3'
Protein context (NP_001473.1, residues 111-131): GGHYFPKDHL[Lys121Ile]KAVAEIEEMC